The following is an entry in ClinVar:

ClinVar aggregate classification (germline): Uncertain significance (1 of 4 stars; one submission).

Conditions:
Developmental and epileptic encephalopathy, 1 (DEE1). Also called: X-linked infantile spasms; West's syndrome; Tonic spasms with clustering, arrest of psychomotor development and hypsarrhythmia on EEG; X-Linked Infantile Spasm Syndrome; OHTAHARA SYNDROME, X-LINKED; Epileptic encephalopathy, early infantile, 1. Identifiers: MedGen C3463992, MONDO:0010632, OMIM 308350. Disease mechanism: loss of function.
Intellectual disability, X-linked, with or without seizures, ARX-related. Also called: Mental retardation, X-linked 52; MENTAL RETARDATION, X-LINKED 29; MENTAL RETARDATION, X-LINKED 32; MENTAL RETARDATION, X-LINKED 33; MENTAL RETARDATION, X-LINKED 38; MENTAL RETARDATION, X-LINKED 43. Identifiers: Orphanet 777, MedGen C0796244, MONDO:0010317, OMIM 300419.

Submission:

Labcorp Genetics (formerly Invitae), Labcorp
Classification: Uncertain significance for Developmental and epileptic encephalopathy, 1; Intellectual disability, X-linked, with or without seizures, ARX-related. Last evaluated: 2024-07-06. Review status: criteria provided, single submitter. Criteria: Invitae Variant Classification Sherloc (09022015). Collection method: clinical testing. Allele origin: germline.
Comment: This variant, c.303_341dup, results in the insertion of 13 amino acid(s) of the ARX protein (p.Ala103_Ala115dup), but otherwise preserves the integrity of the reading frame. The frequency data for this variant in the population databases is considered unreliable, as metrics indicate insufficient coverage at this position in the gnomAD database. This variant has not been reported in the literature in individuals affected with ARX-related conditions. In summary, the available evidence is currently insufficient to determine the role of this variant in disease. Therefore, it has been classified as a Variant of Uncertain Significance.

NM_139058.3(ARX):c.303_341dup (p.Ala115_Thr116insAlaAlaAlaAlaAlaAlaAlaAlaAlaAlaAlaAlaAla)

Genes: ARX (aristaless related homeobox; minus strand), LOC109610631 (aristaless related homeobox polyalanine expansion region; plus strand). Cytogenetic location: Xp21.3.
Variant type: Duplication.
Coding change: c.303_341dup on transcript NM_139058.3 (MANE Select); coding-DNA positions 303 to 341, 39 bases duplicated.
Protein change: p.Ala115_Thr116insAlaAlaAlaAlaAlaAlaAlaAlaAlaAlaAlaAlaAla.
Molecular consequence: inframe insertion.
Genome position (GRCh38, 1-based): chrX:25,013,654-25,013,692, 39 bases duplicated; duplicating any 39 consecutive bases within chrX:25,013,654-25,013,697 gives the same sequence; the c. name uses the placement nearest the transcript's 3' end. GRCh37 (hg19): chrX:25,031,776-25,031,814.
Identifiers: ClinVar variation 3757157 (VCV003757157.2).